The following is an entry in ClinVar:

ClinVar aggregate classification (germline): Conflicting classifications of pathogenicity. Review status: criteria provided, conflicting classifications (1 of 4 stars). 4 submissions from 4 submitters: Uncertain significance (3); Likely benign (1). Last evaluated 2023-10-31.

Conditions:
Hereditary breast ovarian cancer syndrome. Also called: Hereditary breast and ovarian cancer; Hereditary breast and ovarian cancer syndrome (HBOC); Breast and ovarian cancer; Hereditary breast and ovarian cancer syndrome; BRCA1- and BRCA2-Associated Hereditary Breast and Ovarian Cancer; Hereditary breast and/or ovarian cancer syndrome. Identifiers: Orphanet 145, MedGen C0677776, MeSH D061325, MONDO:0003582. Disease mechanism: loss of function.
Hereditary cancer-predisposing syndrome. Also called: Tumor predisposition; Neoplastic Syndromes, Hereditary; Hereditary neoplastic syndrome; Hereditary Cancer Syndrome. Identifiers: Orphanet 140162, MedGen C0027672, MeSH D009386, MONDO:0015356.

Submissions (4):

Ambry Genetics
Classification: Uncertain significance for Hereditary cancer-predisposing syndrome. Last evaluated: 2023-10-31. Review status: criteria provided, single submitter. Criteria: Ambry Variant Classification Scheme 2023. Collection method: clinical testing. Allele origin: germline.
Comment: The p.S873L variant (also known as c.2618C>T), located in coding exon 9 of the BRCA1 gene, results from a C to T substitution at nucleotide position 2618. The serine at codon 873 is replaced by leucine, an amino acid with dissimilar properties. This amino acid position is well conserved in available vertebrate species. In addition, the in silico prediction for this alteration is inconclusive. Since supporting evidence is limited at this time, the clinical significance of this alteration remains unclear.

Labcorp Genetics (formerly Invitae), Labcorp
Classification: Uncertain significance for Hereditary breast ovarian cancer syndrome. Last evaluated: 2023-05-07. Review status: criteria provided, single submitter. Criteria: Invitae Variant Classification Sherloc (09022015). Collection method: clinical testing. Allele origin: germline.
Comment: In summary, the available evidence is currently insufficient to determine the role of this variant in disease. Therefore, it has been classified as a Variant of Uncertain Significance. Advanced modeling of protein sequence and biophysical properties (such as structural, functional, and spatial information, amino acid conservation, physicochemical variation, residue mobility, and thermodynamic stability) performed at Invitae indicates that this missense variant is not expected to disrupt BRCA1 protein function. ClinVar contains an entry for this variant (Variation ID: 630907). This variant has not been reported in the literature in individuals affected with BRCA1-related conditions. This variant is not present in population databases (gnomAD no frequency). This sequence change replaces serine, which is neutral and polar, with leucine, which is neutral and non-polar, at codon 873 of the BRCA1 protein (p.Ser873Leu).

University of Washington Department of Laboratory Medicine, University of Washington
Classification: Likely benign for Hereditary cancer-predisposing syndrome. Last evaluated: 2023-03-23. Review status: criteria provided, single submitter. Criteria: Dines et al. (Genet Med. 2020). Collection method: curation. Allele origin: germline.
Comment: Missense variant in a coldspot region where missense variants are very unlikely to be pathogenic (PMID:31911673).

BRCA1 coldspot (exon 11 using historical exon numbering). Reclassification based on statistical prior probability

Color Diagnostics, LLC DBA Color Health
Classification: Uncertain significance for Hereditary cancer-predisposing syndrome. Last evaluated: 2019-06-15. Review status: criteria provided, single submitter. Criteria: ACMG Guidelines, 2015. Collection method: clinical testing. Allele origin: germline.

NM_007294.4(BRCA1):c.2618C>T (p.Ser873Leu)

Gene: BRCA1 (BRCA1 DNA repair associated; minus strand). Cytogenetic location: 17q21.31.
Variant type: single nucleotide variant.
Coding change: c.2618C>T on transcript NM_007294.4 (MANE Select); coding-DNA position 2618, C replaced by T.
Protein change: p.Ser873Leu; replaces serine 873 with leucine.
Molecular consequence: missense variant. On other transcripts: intron variant (137).
Genome position (GRCh38, 1-based): chr17:43,092,913, G>A on the plus strand (C>T on the coding strand, the complement: BRCA1 is on the minus strand). VCF-style: chr17-43092913-G-A. GRCh37 (hg19) VCF-style: chr17-41244930-G-A.
Other names: c.2405C>T, p.Ser802Leu (NM_001407571.1, NM_001407853.1, NM_001407894.1 and 9 more transcripts); c.2618C>T, p.Ser873Leu (NM_001407581.1, NM_001407582.1, NM_001407583.1 and 30 more transcripts); c.2615C>T, p.Ser872Leu (NM_001407587.1, NM_001407590.1, NM_001407591.1 and 22 more transcripts); c.2609C>T, p.Ser870Leu (NM_001407646.1, NM_001407647.1); c.2495C>T, p.Ser832Leu (NM_001407648.1, NM_001407664.1, NM_001407665.1 and 19 more transcripts); c.2492C>T, p.Ser831Leu (NM_001407649.1, NM_001407670.1, NM_001407671.1 and 11 more transcripts); c.2540C>T, p.Ser847Leu (NM_001407653.1, NM_001407654.1, NM_001407655.1 and 4 more transcripts); c.2537C>T, p.Ser846Leu (NM_001407659.1, NM_001407660.1, NM_001407661.1 and 1 more transcripts); and 41 more; short protein forms S873L, S826L, S746L, S784L, S785L, S803L, S825L, S870L.
Identifiers: ClinVar variation 630907 (VCV000630907.10), dbSNP rs1567794912, ClinGen allele CA10596758.